The following is an entry in ClinVar:

ClinVar aggregate classification (germline): Uncertain significance (1 of 4 stars; one submission).

Submission:

GeneDx
Classification: Uncertain significance. Last evaluated: 2016-03-23. Review status: criteria provided, single submitter. Criteria: GeneDx Variant Classification (06012015). Collection method: clinical testing. Allele origin: germline. Affected: yes.
Comment: The S874N variant in the SOS2 gene has not been reported previously as a pathogenic variant, nor as a benign variant, to our knowledge. The S874N variant was not observed in approximately 6,500 individuals of European and African American ancestry in the NHLBI Exome Sequencing Project, indicating it is not a common benign variant in these populations. The S874N variant is a conservative amino acid substitution, which is not likely to impact secondary protein structure as these residues share similar properties. While this substitution occurs at a position that is conserved across species, it is not within the Dbl homology domain of the protain. However, in silico analysis predicts this variant is probably damaging to the protein structure/function. We interpret S874N as a variant of uncertain significance

NM_006939.4(SOS2):c.2621G>A (p.Ser874Asn)

Gene: SOS2 (SOS Ras/Rho guanine nucleotide exchange factor 2; minus strand). Cytogenetic location: 14q21.3.
Variant type: single nucleotide variant.
Coding change: c.2621G>A on transcript NM_006939.4 (MANE Select); coding-DNA position 2621, G replaced by A.
Protein change: p.Ser874Asn; replaces serine 874 with asparagine.
Molecular consequence: missense variant.
Genome position (GRCh38, 1-based): chr14:50,145,216, C>T on the plus strand (G>A on the coding strand, the complement: SOS2 is on the minus strand). VCF-style: chr14-50145216-C-T. GRCh37 (hg19) VCF-style: chr14-50611934-C-T.
Other names: short protein forms S874N.
Identifiers: ClinVar variation 372932 (VCV000372932.1), dbSNP rs1057518082, ClinGen allele CA16042957.